The following is an entry in ClinVar:

NM_000143.4(FH):c.884C>G (p.Ala295Gly)

Gene: FH (fumarate hydratase; minus strand). Cytogenetic location: 1q43.
Variant type: single nucleotide variant.
Coding change: c.884C>G on transcript NM_000143.4 (MANE Select); coding-DNA position 884, C replaced by G.
Protein change: p.Ala295Gly; replaces alanine 295 with glycine.
Molecular consequence: missense variant.
Genome position (GRCh38, 1-based): chr1:241,506,023, G>C on the plus strand (C>G on the coding strand, the complement: FH is on the minus strand). VCF-style: chr1-241506023-G-C. GRCh37 (hg19) VCF-style: chr1-241669323-G-C.
Other names: short protein forms A295G.
Identifiers: ClinVar variation 4804139 (VCV004804139.1).

ClinVar aggregate classification (germline): Uncertain significance (1 of 4 stars; one submission).

Submission:

Labcorp Genetics (formerly Invitae), Labcorp
Classification: Uncertain significance. Last evaluated: 2025-04-30. Review status: criteria provided, single submitter. Criteria: Invitae Variant Classification Sherloc (09022015). Collection method: clinical testing. Allele origin: germline.
Comment: This sequence change replaces alanine, which is neutral and non-polar, with glycine, which is neutral and non-polar, at codon 295 of the FH protein (p.Ala295Gly). This variant is not present in population databases (gnomAD no frequency). This variant has not been reported in the literature in individuals affected with FH-related conditions. Invitae Evidence Modeling of protein sequence and biophysical properties (such as structural, functional, and spatial information, amino acid conservation, physicochemical variation, residue mobility, and thermodynamic stability) has been performed for this missense variant. However, the output from this modeling did not meet the statistical confidence thresholds required to predict the impact of this variant on FH protein function. In summary, the available evidence is currently insufficient to determine the role of this variant in disease. Therefore, it has been classified as a Variant of Uncertain Significance.